The following is an entry in ClinVar:

NM_006231.4(POLE):c.1227-149T>C

Gene: POLE (DNA polymerase epsilon, catalytic subunit; minus strand). Cytogenetic location: 12q24.33.
Variant type: single nucleotide variant.
Coding change: c.1227-149T>C on transcript NM_006231.4 (MANE Select); 149 bases into the intron before coding-DNA position 1227, T replaced by C.
Molecular consequence: intron variant.
Genome position (GRCh38, 1-based): chr12:132,673,856, A>G on the plus strand (T>C on the coding strand, the complement: POLE is on the minus strand). VCF-style: chr12-132673856-A-G. GRCh37 (hg19) VCF-style: chr12-133250442-A-G.
Identifiers: ClinVar variation 676490 (VCV000676490.1), dbSNP rs5744774, ClinGen allele CA15730851.

ClinVar aggregate classification (germline): Benign (1 of 4 stars; one submission).

Allele frequency attached by ClinVar (database versions not stated): gnomAD 0.52922; TOPMed 0.55205; 1000 Genomes Project 0.60503; 1000 Genomes Project 30x 0.61040.
gnomAD v4.1: 380,745 of 792,360 alleles (48%); highest among the groups gnomAD compares: African/African-American, 72%; 96,167 homozygotes.

Submission:

GeneDx
Classification: Benign. Last evaluated: 2018-06-20. Review status: criteria provided, single submitter. Criteria: GeneDx Variant Classification (06012015). Collection method: clinical testing. Allele origin: germline. Affected: yes.
Comment: This variant is considered likely benign or benign based on one or more of the following criteria: it is a conservative change, it occurs at a poorly conserved position in the protein, it is predicted to be benign by multiple in silico algorithms, and/or has population frequency not consistent with disease.